The following is an entry in ClinVar:

ClinVar aggregate classification (germline): Conflicting classifications of pathogenicity. Review status: criteria provided, conflicting classifications (1 of 4 stars). 3 submissions from 3 submitters: Uncertain significance (2); Likely benign (1). Last evaluated 2023-11-16.

Conditions:
Chuvash polycythemia. Also called: POLYCYTHEMIA, VHL-DEPENDENT. Identifiers: Orphanet 238557, MedGen C1837915, MONDO:0009892, OMIM 263400.
Von Hippel-Lindau syndrome (VHLS). Also called: Von Hippel-Lindau; VHL syndrome; von Hippel–Lindau syndrome. Identifiers: Orphanet 892, MedGen C0019562, MONDO:0008667, OMIM 193300. Disease mechanism: loss of function.
Hereditary cancer-predisposing syndrome. Also called: Hereditary Cancer Syndrome; Hereditary neoplastic syndrome; Tumor predisposition; Neoplastic Syndromes, Hereditary. Identifiers: Orphanet 140162, MedGen C0027672, MeSH D009386, MONDO:0015356.
Pheochromocytoma. Also called: MAX-Related Hereditary Paraganglioma-Pheochromocytoma Syndrome. Identifiers: Orphanet 29072, MedGen C0031511, MONDO:0008233, OMIM 171300, HP:0002666.
Nonpapillary renal cell carcinoma. Identifiers: Orphanet 422526, MedGen CN074294, MONDO:0007763, OMIM 144700.

Submissions (3):

Ambry Genetics
Classification: Likely benign for Hereditary cancer-predisposing syndrome. Last evaluated: 2023-11-16. Review status: criteria provided, single submitter. Criteria: Ambry Variant Classification Scheme 2023. Collection method: clinical testing. Allele origin: germline.

Labcorp Genetics (formerly Invitae), Labcorp
Classification: Uncertain significance for Von Hippel-Lindau syndrome; Chuvash polycythemia. Last evaluated: 2023-10-20. Review status: criteria provided, single submitter. Criteria: Invitae Variant Classification Sherloc (09022015). Collection method: clinical testing. Allele origin: germline.
Comment: This sequence change replaces glycine, which is neutral and non-polar, with valine, which is neutral and non-polar, at codon 44 of the VHL protein (p.Gly44Val). This variant is not present in population databases (gnomAD no frequency). This variant has not been reported in the literature in individuals affected with VHL-related conditions. ClinVar contains an entry for this variant (Variation ID: 1392798). Advanced modeling of protein sequence and biophysical properties (such as structural, functional, and spatial information, amino acid conservation, physicochemical variation, residue mobility, and thermodynamic stability) performed at Invitae indicates that this missense variant is not expected to disrupt VHL protein function. In summary, the available evidence is currently insufficient to determine the role of this variant in disease. Therefore, it has been classified as a Variant of Uncertain Significance.

Juno Genomics, Hangzhou Juno Genomics, Inc
Classification: Uncertain significance for Von Hippel-Lindau syndrome; Chuvash polycythemia; Pheochromocytoma; Nonpapillary renal cell carcinoma. Review status: criteria provided, single submitter. Criteria: ACMG Guidelines, 2015. Collection method: clinical testing. Allele origin: germline.
Comment: Absent from controls (or at extremely low frequency if recessive) in Genome Aggregation Database.

NM_000551.4(VHL):c.131G>T (p.Gly44Val)

Gene: VHL (von Hippel-Lindau tumor suppressor; plus strand). Cytogenetic location: 3p25.3.
Variant type: single nucleotide variant.
Coding change: c.131G>T on transcript NM_000551.4 (MANE Select); coding-DNA position 131, G replaced by T.
Protein change: p.Gly44Val; replaces glycine 44 with valine.
Molecular consequence: missense variant.
Genome position (GRCh38, 1-based): chr3:10,141,978, G>T. VCF-style: chr3-10141978-G-T. GRCh37 (hg19) VCF-style: chr3-10183662-G-T.
Other names: c.131G>T (NM_000551.3); c.131G>T, p.Gly44Val (NM_001354723.2, NM_198156.3); short protein forms G44V.
Identifiers: ClinVar variation 1392798 (VCV001392798.9), dbSNP rs1056226386, ClinGen allele CA351748065.